The following is an entry in ClinVar:

ClinVar aggregate classification (germline): Conflicting classifications of pathogenicity. Review status: criteria provided, conflicting classifications (1 of 4 stars). 2 submissions from 2 submitters: Uncertain significance (1); Likely benign (1). Last evaluated 2025-05-14.

Conditions:
Hyperammonemic encephalopathy due to carbonic anhydrase VA deficiency. Also called: Carbonic Anhydrase VA Deficiency; Carbonic anhydrase VA deficiency, hyperammonemia due to. Identifiers: Orphanet 401948, MedGen C4706871, MONDO:0014332, OMIM 615751.
Inborn genetic diseases. Identifiers: MedGen C0950123, MeSH D030342.

Allele frequency attached by ClinVar (database versions not stated): ExAC 0.00001; gnomAD 0.00007; TOPMed 0.00007; 1000 Genomes Project 30x 0.00016; 1000 Genomes Project 0.00020.
gnomAD v4.1: 20 of 1,614,212 alleles (0.0012%); highest among the groups gnomAD compares: African/African-American, 0.023%; no homozygotes.

Submissions (2):

Ambry Genetics
Classification: Likely benign for Inborn genetic diseases. Last evaluated: 2025-05-14. Review status: criteria provided, single submitter. Criteria: Ambry Variant Classification Scheme 2023. Collection method: clinical testing. Allele origin: germline.

Labcorp Genetics (formerly Invitae), Labcorp
Classification: Uncertain significance for Hyperammonemic encephalopathy due to carbonic anhydrase VA deficiency. Last evaluated: 2022-02-28. Review status: criteria provided, single submitter. Criteria: Invitae Variant Classification Sherloc (09022015). Collection method: clinical testing. Allele origin: germline.
Comment: Algorithms developed to predict the effect of missense changes on protein structure and function output the following: SIFT: "Tolerated"; PolyPhen-2: "Benign"; Align-GVGD: "Class C0". The valine amino acid residue is found in multiple mammalian species, which suggests that this missense change does not adversely affect protein function. This variant has not been reported in the literature in individuals affected with CA5A-related conditions. This variant is present in population databases (rs565675541, gnomAD 0.02%). This sequence change replaces isoleucine, which is neutral and non-polar, with valine, which is neutral and non-polar, at codon 95 of the CA5A protein (p.Ile95Val). In summary, the available evidence is currently insufficient to determine the role of this variant in disease. Therefore, it has been classified as a Variant of Uncertain Significance.

NM_001739.2(CA5A):c.283A>G (p.Ile95Val)

Gene: CA5A (carbonic anhydrase 5A; minus strand). Cytogenetic location: 16q24.2.
Variant type: single nucleotide variant.
Coding change: c.283A>G on transcript NM_001739.2 (MANE Select); coding-DNA position 283, A replaced by G.
Protein change: p.Ile95Val; replaces isoleucine 95 with valine.
Molecular consequence: missense variant. On other transcripts: non-coding transcript variant (2).
Genome position (GRCh38, 1-based): chr16:87,926,805, T>C on the plus strand (A>G on the coding strand, the complement: CA5A is on the minus strand). VCF-style: chr16-87926805-T-C. GRCh37 (hg19) VCF-style: chr16-87960411-T-C.
Other names: c.283A>G, p.Ile95Val (NM_001367225.1); c.283A>G (NM_001739.1); short protein forms I95V.
Identifiers: ClinVar variation 2201239 (VCV002201239.5), dbSNP rs565675541, ClinGen allele CA8223561.